The following is an entry in ClinVar:

ClinVar aggregate classification (germline): Uncertain significance (1 of 4 stars; one submission).

Conditions:
Niemann-Pick disease, type C1. Also called: NIEMANN-PICK DISEASE, VARIANT TYPE C1; NEUROVISCERAL STORAGE DISEASE WITH VERTICAL SUPRANUCLEAR OPHTHALMOPLEGIA; NIEMANN-PICK DISEASE WITH CHOLESTEROL ESTERIFICATION BLOCK; NIEMANN-PICK DISEASE WITHOUT SPHINGOMYELINASE DEFICIENCY; NIEMANN-PICK DISEASE, CHRONIC NEURONOPATHIC FORM. Identifiers: Orphanet 646, MedGen C3179455, MONDO:0009757, OMIM 257220.

Submission:

Labcorp Genetics (formerly Invitae), Labcorp
Classification: Uncertain significance for Niemann-Pick disease, type C1. Last evaluated: 2022-05-19. Review status: criteria provided, single submitter. Criteria: Invitae Variant Classification Sherloc (09022015). Collection method: clinical testing. Allele origin: germline.
Comment: This sequence change replaces phenylalanine, which is neutral and non-polar, with serine, which is neutral and polar, at codon 1051 of the NPC1 protein (p.Phe1051Ser). This variant is not present in population databases (gnomAD no frequency). This variant has not been reported in the literature in individuals affected with NPC1-related conditions. Advanced modeling of protein sequence and biophysical properties (such as structural, functional, and spatial information, amino acid conservation, physicochemical variation, residue mobility, and thermodynamic stability) performed at Invitae indicates that this missense variant is expected to disrupt NPC1 protein function. In summary, the available evidence is currently insufficient to determine the role of this variant in disease. Therefore, it has been classified as a Variant of Uncertain Significance.

NM_000271.5(NPC1):c.3152T>C (p.Phe1051Ser)

Gene: NPC1 (NPC intracellular cholesterol transporter 1; minus strand). Cytogenetic location: 18q11.2.
Variant type: single nucleotide variant.
Coding change: c.3152T>C on transcript NM_000271.5 (MANE Select); coding-DNA position 3152, T replaced by C.
Protein change: p.Phe1051Ser; replaces phenylalanine 1051 with serine.
Molecular consequence: missense variant.
Genome position (GRCh38, 1-based): chr18:23,536,766, A>G on the plus strand (T>C on the coding strand, the complement: NPC1 is on the minus strand). VCF-style: chr18-23536766-A-G. GRCh37 (hg19) VCF-style: chr18-21116730-A-G.
Other names: short protein forms F1051S.
Identifiers: ClinVar variation 1996326 (VCV001996326.1), dbSNP rs2511197221, ClinGen allele CA401791824.
Genomic context (GRCh38, chr18:23,536,766, plus strand): 5'-ATGCCCATGGTTTCGGTGACATTACTGGCTATAAGTCGGGCTTTCTTCAGAGCGTCAATA[A>G]AGTCAGCAGAGGTCTGCAGCACGGTGTGGTAGGTCATGAAGTACGTGGCTCCGACCCTGG-3'
Protein context (NP_000262.2, residues 1041-1061): YHTVLQTSAD[Phe1051Ser]IDALKKARLI